The following is an entry in ClinVar:

ClinVar aggregate classification (germline): Likely benign (1 of 4 stars; one submission).

Conditions:
Cardiomyopathy (CMYO). Also called: Cardiomyopathies. Identifiers: Orphanet 167848, MedGen C0878544, MONDO:0004994, HP:0001638. Inheritance: Various modes of inheritance.

Allele frequency attached by ClinVar (database versions not stated): gnomAD exomes below 0.00001.

Submission:

All of Us Research Program, National Institutes of Health
Classification: Likely benign for Cardiomyopathy. Last evaluated: 2023-08-28. Review status: criteria provided, single submitter. Criteria: ACMG Guidelines, 2015. Collection method: clinical testing. Allele origin: germline. Inheritance: Autosomal dominant inheritance. Observed: 1 variant allele, 1 heterozygote.
Comment: This study involves interpretation of variants in research participants for the purpose of population health screening. Participant phenotype was not available at the time of variant classification. Additional details can be found in publication PMID: 35346344, PMCID: PMC8962531

NM_000257.4(MYH7):c.4236C>T (p.Ser1412=)

Gene: MYH7 (myosin heavy chain 7; minus strand). Cytogenetic location: 14q11.2.
Variant type: single nucleotide variant.
Coding change: c.4236C>T on transcript NM_000257.4 (MANE Select); coding-DNA position 4236, C replaced by T.
Protein change: p.Ser1412=; no amino-acid change (serine 1412 retained).
Molecular consequence: synonymous variant.
Genome position (GRCh38, 1-based): chr14:23,417,620, G>A on the plus strand (C>T on the coding strand, the complement: MYH7 is on the minus strand). VCF-style: chr14-23417620-G-A. GRCh37 (hg19) VCF-style: chr14-23886829-G-A.
Other names: c.4236C>T, p.Ser1412= (NM_001407004.1).
Identifiers: ClinVar variation 3073204 (VCV003073204.1), dbSNP rs2502251972, ClinGen allele CA485617870.